The following is an entry in ClinVar:

ClinVar aggregate classification (germline): Likely pathogenic (1 of 4 stars; one submission).

Conditions:
Developmental delay, impaired speech, and behavioral abnormalities. Identifiers: MedGen C5561957, MONDO:0859178, OMIM 619475.

Submission:

Victorian Clinical Genetics Services, Murdoch Childrens Research Institute
Classification: Likely pathogenic for Developmental delay, impaired speech, and behavioral abnormalities. Last evaluated: 2024-09-20. Review status: criteria provided, single submitter. Criteria: ACMG Guidelines, 2015. Collection method: clinical testing. Allele origin: germline. Inheritance: Autosomal dominant inheritance. Affected: yes.
Comment: Based on the classification scheme VCGS_Germline_v1.3.4, this variant is classified as Likely Pathogenic. Following criteria are met: 0102 - Loss of function is a known mechanism of disease in this gene and is associated with developmental delay, impaired speech, and behavioural abnormalities (MIM#619475). (I) 0107 - This gene is associated with autosomal dominant disease. (I) 0211 - Canonical splice site variant without proven consequence on splicing (no functional evidence available). (SP) 0251 - This variant is heterozygous. (I) 0301 - Variant is absent from gnomAD (both v2 and v3). (SP) 0505 - Abnormal splicing is predicted by in silico tools and affected nucleotide is highly conserved. (SP) 0705 - No comparable splice site variants have previous evidence for pathogenicity. (I) 0809 - Previous evidence of pathogenicity for this variant is inconclusive. LOVD contains one VUS entry for this variant. (I) 0905 - No published segregation evidence has been identified for this variant. (I) 1007 - No published functional evidence has been identified for this variant. (SP) Legend: (SP) - Supporting pathogenic, (I) - Information, (SB) - Supporting benign

NM_003128.3(SPTBN1):c.475-1G>A

Gene: SPTBN1 (spectrin beta, non-erythrocytic 1; plus strand). Cytogenetic location: 2p16.2.
Variant type: single nucleotide variant.
Coding change: c.475-1G>A on transcript NM_003128.3 (MANE Select); the canonical splice acceptor site of the intron before coding-DNA position 475, G replaced by A.
Molecular consequence: splice acceptor variant.
Genome position (GRCh38, 1-based): chr2:54,616,206, G>A. VCF-style: chr2-54616206-G-A. GRCh37 (hg19) VCF-style: chr2-54843343-G-A.
Other names: c.436-1G>A (NM_178313.3).
Identifiers: ClinVar variation 3255069 (VCV003255069.2), dbSNP rs2549502583.
Genomic context (GRCh38, chr2:54,616,206, plus strand): 5'-TCAGTGGTTCTTTTAGGCAGCTGACCCATCTATTTGTCTAATATTTCTTTGTAAATCTTA[G>A]ATCCAGGATATCAGTGTGGAAACTGAAGACAACAAAGAGAAGAAATCTGCCAAGGATGCA-3'